The following is an entry in ClinVar:

NM_000532.5(PCCB):c.373-1G>C

Gene: PCCB (propionyl-CoA carboxylase subunit beta; plus strand). Cytogenetic location: 3q22.3.
Variant type: single nucleotide variant.
Coding change: c.373-1G>C on transcript NM_000532.5 (MANE Select); the canonical splice acceptor site of the intron before coding-DNA position 373, G replaced by C.
Molecular consequence: splice acceptor variant.
Genome position (GRCh38, 1-based): chr3:136,260,478, G>C. VCF-style: chr3-136260478-G-C. GRCh37 (hg19) VCF-style: chr3-135979320-G-C.
Other names: c.433-1G>C (NM_001178014.2).
Identifiers: ClinVar variation 1487298 (VCV001487298.6), dbSNP rs2108144374, ClinGen allele CA354739223.

ClinVar aggregate classification (germline): Likely pathogenic (1 of 4 stars; one submission).

Conditions:
Propionic acidemia (PROP). Also called: GLYCINEMIA, KETOTIC; HYPERGLYCINEMIA WITH KETOACIDOSIS AND LEUKOPENIA; KETOTIC HYPERGLYCINEMIA. Identifiers: Orphanet 35, MedGen C0268579, MONDO:0011628, OMIM 606054, HP:0003571.

Submission:

Labcorp Genetics (formerly Invitae), Labcorp
Classification: Likely pathogenic for Propionic acidemia. Last evaluated: 2021-12-07. Review status: criteria provided, single submitter. Criteria: Invitae Variant Classification Sherloc (09022015). Collection method: clinical testing. Allele origin: germline.
Comment: This sequence change affects an acceptor splice site in intron 3 of the PCCB gene. It is expected to disrupt RNA splicing. Variants that disrupt the donor or acceptor splice site typically lead to a loss of protein function (PMID: 16199547), and loss-of-function variants in PCCB are known to be pathogenic (PMID: 15464417). This variant is not present in population databases (gnomAD no frequency). This variant has not been reported in the literature in individuals affected with PCCB-related conditions. Algorithms developed to predict the effect of sequence changes on RNA splicing suggest that this variant may disrupt the consensus splice site. In summary, the currently available evidence indicates that the variant is pathogenic, but additional data are needed to prove that conclusively. Therefore, this variant has been classified as Likely Pathogenic.

Literature cited by the submitters: PubMed 16199547; PubMed 15464417.